The following is an entry in ClinVar:

NM_031206.7(LAS1L):c.700A>G (p.Lys234Glu)

Gene: LAS1L (LAS1 like ribosome biogenesis factor; minus strand). Cytogenetic location: Xq12.
Variant type: single nucleotide variant.
Coding change: c.700A>G on transcript NM_031206.7 (MANE Select); coding-DNA position 700, A replaced by G.
Protein change: p.Lys234Glu; replaces lysine 234 with glutamic acid.
Molecular consequence: missense variant. On other transcripts: 5 prime UTR variant (1), non-coding transcript variant (3).
Genome position (GRCh38, 1-based): chrX:65,529,693, T>C on the plus strand (A>G on the coding strand, the complement: LAS1L is on the minus strand). VCF-style: chrX-65529693-T-C. GRCh37 (hg19) VCF-style: chrX-64749573-T-C.
Other names: c.700A>G, p.Lys234Glu (NM_001170649.2, NM_001375328.1, NM_001375329.1 and 10 more transcripts); c.574A>G, p.Lys192Glu (NM_001170650.2); c.-97A>G (NM_001375332.1); short protein forms K192E, K234E.
Identifiers: ClinVar variation 5016745 (VCV005016745.1).

ClinVar aggregate classification (germline): Uncertain significance (1 of 4 stars; one submission).

gnomAD v4.1: 7 of 1,211,777 alleles (0.00058%); highest among the groups gnomAD compares: African/African-American, 0.01%; no homozygotes.

Submission:

GeneDx
Classification: Uncertain significance. Last evaluated: 2026-04-01. Review status: criteria provided, single submitter. Criteria: GeneDx Variant Classification Process June 2021. Collection method: clinical testing. Allele origin: germline.
Comment: Not observed at significant frequency in large population cohorts (gnomAD); In silico analysis suggests that this missense variant does not alter protein structure/function; Has not been previously published as pathogenic or benign to our knowledge